The following is an entry in ClinVar:

NM_144670.6(A2ML1):c.55G>A (p.Glu19Lys)

Genes: A2ML1 (alpha-2-macroglobulin like 1; plus strand), A2ML1-AS1 (A2ML1 antisense RNA 1; minus strand). Cytogenetic location: 12p13.31.
Variant type: single nucleotide variant.
Coding change: c.55G>A on transcript NM_144670.6 (MANE Select); coding-DNA position 55, G replaced by A.
Protein change: p.Glu19Lys; replaces glutamic acid 19 with lysine.
Molecular consequence: missense variant.
Genome position (GRCh38, 1-based): chr12:8,822,706, G>A. VCF-style: chr12-8822706-G-A. GRCh37 (hg19) VCF-style: chr12-8975302-G-A.
Other names: short protein forms E19K.
Identifiers: ClinVar variation 2449320 (VCV002449320.4), dbSNP rs1720800547, ClinGen allele CA383816590.

ClinVar aggregate classification (germline): Conflicting classifications of pathogenicity. Review status: criteria provided, conflicting classifications (1 of 4 stars). 2 submissions from 2 submitters: Uncertain significance (1); Likely benign (1). Last evaluated 2024-07-01.

Allele frequency attached by ClinVar (database versions not stated): gnomAD exomes below 0.00001; TOPMed below 0.00001.
gnomAD v4.1: 1 of 1,614,174 alleles (0.000062%); highest among the groups gnomAD compares: African/African-American, 0.0013%; no homozygotes.

Submissions (2):

Labcorp Genetics (formerly Invitae), Labcorp
Classification: Uncertain significance. Last evaluated: 2024-07-01. Review status: criteria provided, single submitter. Criteria: Invitae Variant Classification Sherloc (09022015). Collection method: clinical testing. Allele origin: germline.
Comment: This sequence change replaces glutamic acid, which is acidic and polar, with lysine, which is basic and polar, at codon 19 of the A2ML1 protein (p.Glu19Lys). This variant is not present in population databases (gnomAD no frequency). This variant has not been reported in the literature in individuals affected with A2ML1-related conditions. ClinVar contains an entry for this variant (Variation ID: 2449320). Algorithms developed to predict the effect of missense changes on protein structure and function output the following: SIFT: "Not Available"; PolyPhen-2: "Benign"; Align-GVGD: "Not Available". The lysine amino acid residue is found in multiple mammalian species, which suggests that this missense change does not adversely affect protein function. In summary, the available evidence is currently insufficient to determine the role of this variant in disease. Therefore, it has been classified as a Variant of Uncertain Significance.

Ambry Genetics
Classification: Likely benign. Last evaluated: 2022-11-02. Review status: criteria provided, single submitter. Criteria: Ambry Variant Classification Scheme 2023. Collection method: clinical testing. Allele origin: germline.